The following is an entry in ClinVar:

NM_001378414.1(HDAC4):c.37C>G (p.Arg13Gly)

Gene: HDAC4 (histone deacetylase 4; minus strand). Cytogenetic location: 2q37.3.
Variant type: single nucleotide variant.
Coding change: c.37C>G on transcript NM_001378414.1 (MANE Select); coding-DNA position 37, C replaced by G.
Protein change: p.Arg13Gly; replaces arginine 13 with glycine.
Molecular consequence: missense variant.
Genome position (GRCh38, 1-based): chr2:239,236,650, G>C on the plus strand (C>G on the coding strand, the complement: HDAC4 is on the minus strand). VCF-style: chr2-239236650-G-C. GRCh37 (hg19) VCF-style: chr2-240158346-G-C.
Other names: c.37C>G, p.Arg13Gly (NM_001378415.1, NM_001378416.1, NM_001378417.1 and 1 more transcripts); short protein forms R13G.
Identifiers: ClinVar variation 3104589 (VCV003104589.2), dbSNP rs1336002481, ClinGen allele CA351463603.
Genomic context (GRCh38, chr2:239,236,650, plus strand): 5'-TACCCGTGCTGGGCATGTGGTTCACGCGGGCAGGATTCAGCAGCTCCACTGGCTGGTCTC[G>C]GCCAGAAAGTCCATCTGGAGAACAGAGAAGGCACTGGCTTCAGAAACTGCGCGCATTTCA-3'
Protein context (NP_001365343.1, residues 3-23): SQSHPDGLSG[Arg13Gly]DQPVELLNPA

ClinVar aggregate classification (germline): Uncertain significance. Review status: criteria provided, multiple submitters, no conflicts (2 of 4 stars). 2 submissions from 2 submitters: Uncertain significance (2). Last evaluated 2025-03-16.

Conditions:
Inborn genetic diseases. Identifiers: MedGen C0950123, MeSH D030342.

Submissions (2):

GeneDx
Classification: Uncertain significance. Last evaluated: 2025-03-16. Review status: criteria provided, single submitter. Criteria: GeneDx Variant Classification Process June 2021. Collection method: clinical testing. Allele origin: germline. Affected: yes.
Comment: Not observed at significant frequency in large population cohorts (gnomAD); In silico analysis supports that this missense variant has a deleterious effect on protein structure/function; Has not been previously published as pathogenic or benign to our knowledge

Ambry Genetics
Classification: Uncertain significance for Inborn genetic diseases. Last evaluated: 2024-01-04. Review status: criteria provided, single submitter. Criteria: Ambry Variant Classification Scheme 2023. Collection method: clinical testing. Allele origin: germline.